The following is an entry in ClinVar:

NM_000059.4(BRCA2):c.3461C>T (p.Thr1154Ile)

Gene: BRCA2 (BRCA2 DNA repair associated; plus strand). Cytogenetic location: 13q13.1.
Variant type: single nucleotide variant.
Coding change: c.3461C>T on transcript NM_000059.4 (MANE Select); coding-DNA position 3461, C replaced by T.
Protein change: p.Thr1154Ile; replaces threonine 1154 with isoleucine.
Molecular consequence: missense variant.
Genome position (GRCh38, 1-based): chr13:32,337,816, C>T. VCF-style: chr13-32337816-C-T. GRCh37 (hg19) VCF-style: chr13-32911953-C-T.
Other names: short protein forms T1154I.
Identifiers: ClinVar variation 185486 (VCV000185486.7), dbSNP rs786202212, ClinGen allele CA018115.

ClinVar aggregate classification (germline): Conflicting classifications of pathogenicity. Review status: criteria provided, conflicting classifications (1 of 4 stars). 2 submissions from 2 submitters: Uncertain significance (1); Likely benign (1). Last evaluated 2023-03-23.

Conditions:
Hereditary cancer-predisposing syndrome. Also called: Hereditary neoplastic syndrome; Neoplastic Syndromes, Hereditary; Tumor predisposition; Hereditary Cancer Syndrome. Identifiers: Orphanet 140162, MedGen C0027672, MeSH D009386, MONDO:0015356.

Submissions (2):

University of Washington Department of Laboratory Medicine, University of Washington
Classification: Likely benign for Hereditary cancer-predisposing syndrome. Last evaluated: 2023-03-23. Review status: criteria provided, single submitter. Criteria: Dines et al. (Genet Med. 2020). Collection method: curation. Allele origin: germline.
Comment: Missense variant in a coldspot region where missense variants are very unlikely to be pathogenic (PMID:31911673).

BRCA2 exon 11 coldspot. Reclassification based on statistical prior probability.

Ambry Genetics
Classification: Uncertain significance for Hereditary cancer-predisposing syndrome. Last evaluated: 2014-06-30. Review status: criteria provided, single submitter. Criteria: Ambry Variant Classification Scheme 2023. Collection method: clinical testing. Allele origin: germline.
Comment: The p.T1154I variant (also known as c.3461C>T and 3689C>T), located in coding exon 10 of the BRCA2 gene, results from a C to T substitution at nucleotide position 3461. The threonine at codon 1154 is replaced by isoleucine, an amino acid with some similar properties. This amino acid position is not well conserved in available vertebrate species. In addition, this alteration is predicted to be benign yet deleterious by PolyPhen and SIFT in silico analyses, respectively. Since supporting evidence is limited at this time, the clinical significance of this alteration remains unclear.